The following is an entry in ClinVar:

ClinVar aggregate classification (germline): Uncertain significance (1 of 4 stars; one submission).

Conditions:
Hereditary cancer-predisposing syndrome. Also called: Hereditary neoplastic syndrome; Neoplastic Syndromes, Hereditary; Tumor predisposition; Hereditary Cancer Syndrome. Identifiers: Orphanet 140162, MedGen C0027672, MeSH D009386, MONDO:0015356.

Submission:

Ambry Genetics
Classification: Uncertain significance for Hereditary cancer-predisposing syndrome. Last evaluated: 2025-08-14. Review status: criteria provided, single submitter. Criteria: Ambry Variant Classification Scheme 2023. Collection method: clinical testing. Allele origin: germline.
Comment: The p.F270C variant (also known as c.809T>G), located in coding exon 9 of the RAD51D gene, results from a T to G substitution at nucleotide position 809. The phenylalanine at codon 270 is replaced by cysteine, an amino acid with highly dissimilar properties. This amino acid position is conserved. In addition, the in silico prediction for this alteration is inconclusive. Based on the available evidence, the clinical significance of this variant remains unclear.

NM_002878.4(RAD51D):c.809T>G (p.Phe270Cys)

Genes: RAD51D (RAD51 paralog D; minus strand), RAD51L3-RFFL (RAD51L3-RFFL readthrough; minus strand). Cytogenetic location: 17q12.
Variant type: single nucleotide variant.
Coding change: c.809T>G on transcript NM_002878.4 (MANE Select); coding-DNA position 809, T replaced by G.
Protein change: p.Phe270Cys; replaces phenylalanine 270 with cysteine.
Molecular consequence: missense variant. On other transcripts: non-coding transcript variant (3).
Genome position (GRCh38, 1-based): chr17:35,101,295, A>C on the plus strand (T>G on the coding strand, the complement: RAD51D is on the minus strand). VCF-style: chr17-35101295-A-C. GRCh37 (hg19) VCF-style: chr17-33428314-A-C.
Other names: c.869T>G, p.Phe290Cys (NM_001142571.2); c.473T>G, p.Phe158Cys (NM_133629.3); short protein forms F158C, F270C, F290C.
Identifiers: ClinVar variation 4149899 (VCV004149899.1).